The following is an entry in ClinVar:

NM_004380.3(CREBBP):c.4460A>C (p.His1487Pro)

Gene: CREBBP (CREB binding lysine acetyltransferase; minus strand). Cytogenetic location: 16p13.3.
Variant type: single nucleotide variant.
Coding change: c.4460A>C on transcript NM_004380.3 (MANE Select); coding-DNA position 4460, A replaced by C.
Protein change: p.His1487Pro; replaces histidine 1487 with proline.
Molecular consequence: missense variant.
Genome position (GRCh38, 1-based): chr16:3,736,750, T>G on the plus strand (A>C on the coding strand, the complement: CREBBP is on the minus strand). VCF-style: chr16-3736750-T-G. GRCh37 (hg19) VCF-style: chr16-3786751-T-G.
Other names: c.4346A>C, p.His1449Pro (NM_001079846.1); short protein forms H1449P, H1487P.
Identifiers: ClinVar variation 4850036 (VCV004850036.1).
Genomic context (GRCh38, chr16:3,736,750, plus strand): 5'-AGCATCTTTTTGTACCACTCCTGCAGTCGTTTTGGCTTGGGTATTTTTTGATCAGGTGGG[T>G]GGCAATGGAAGATGTAATCATCTCCTTCACTTGGAGGACAGGCCCAGATGTGCCCTGTCA-3'
Protein context (NP_004371.2, residues 1477-1497): SEGDDYIFHC[His1487Pro]PPDQKIPKPK

ClinVar aggregate classification (germline): Likely pathogenic (1 of 4 stars; one submission).

Conditions:
Rubinstein-Taybi syndrome due to CREBBP mutations (RSTS1). Also called: RUBINSTEIN-TAYBI SYNDROME 1, INCOMPLETE; BROAD THUMBS AND GREAT TOES, CHARACTERISTIC FACIES, AND IMPAIRED INTELLECTUAL DEVELOPMENT; RUBINSTEIN SYNDROME; CREBBP-Related Rubinstein-Taybi Syndrome; BROAD THUMB-HALLUX SYNDROME; Rubinstein-Taybi syndrome 1. Identifiers: Orphanet 353277, Orphanet 783, MedGen C4551859, MONDO:0008393, OMIM 180849.

Submission:

Variantyx, Inc.
Classification: Likely pathogenic for Rubinstein-Taybi syndrome due to CREBBP mutations. Last evaluated: 2025-12-15. Review status: criteria provided, single submitter. Criteria: Variantyx Assertion Criteria 2022. Collection method: clinical testing. Allele origin: de novo. Inheritance: Autosomal dominant inheritance. Affected: yes.
Comment: This is a nonsynonymous variant in the CREBBP gene (OMIM: 600140). Pathogenic variants in this gene have been associated with autosomal dominant Rubinstein-Taybi syndrome 1 (PMID:7630403). Multiple computational algorithms predict a deleterious effect for this variant (REVEL score: 0.919) (PP3), and the variant is absent from control populations (PM2). Based on the current evidence, this variant is classified as likely pathogenic for autosomal dominant Rubinstein-Taybi syndrome 1.

Literature cited by the submitters: PubMed 7630403.